The following is an entry in ClinVar:

ClinVar aggregate classification (germline): Likely benign. Review status: criteria provided, multiple submitters, no conflicts (2 of 4 stars). 2 submissions from 2 submitters: Likely benign (2). Last evaluated 2025-02-20.

Conditions:
Familial infantile myasthenia (CMS6). Also called: MYASTHENIC SYNDROME, PRESYNAPTIC, CONGENITAL, ASSOCIATED WITH EPISODIC APNEA; Congenital myasthenic syndrome type 6; MYASTHENIC SYNDROME, CONGENITAL, 6, PRESYNAPTIC. Identifiers: Orphanet 590, MedGen C0393929, MONDO:0009689, OMIM 254210.

Allele frequency attached by ClinVar (database versions not stated): gnomAD 0.00001; TOPMed 0.00002; gnomAD exomes 0.00004 and 0.00006; ExAC 0.00008.
gnomAD v4.1: 82 of 1,613,532 alleles (0.0051%); highest among the groups gnomAD compares: Non-Finnish European, 0.0068%; no homozygotes.

Submissions (2):

Labcorp Genetics (formerly Invitae), Labcorp
Classification: Likely benign for Familial infantile myasthenia. Last evaluated: 2025-02-20. Review status: criteria provided, single submitter. Criteria: Invitae Variant Classification Sherloc (09022015). Collection method: clinical testing. Allele origin: germline.

GeneDx
Classification: Likely benign. Last evaluated: 2017-03-09. Review status: criteria provided, single submitter. Criteria: GeneDx Variant Classification (06012015). Collection method: clinical testing. Allele origin: germline. Affected: yes.
Comment: This variant is considered likely benign or benign based on one or more of the following criteria: it is a conservative change, it occurs at a poorly conserved position in the protein, it is predicted to be benign by multiple in silico algorithms, and/or has population frequency not consistent with disease.

NM_020549.5(CHAT):c.1511+11C>T

Gene: CHAT (choline O-acetyltransferase; plus strand). Cytogenetic location: 10q11.23.
Variant type: single nucleotide variant.
Coding change: c.1511+11C>T on transcript NM_020549.5 (MANE Select); 11 bases into the intron after coding-DNA position 1511, C replaced by T.
Molecular consequence: intron variant.
Genome position (GRCh38, 1-based): chr10:49,649,647, C>T. VCF-style: chr10-49649647-C-T. GRCh37 (hg19) VCF-style: chr10-50857693-C-T.
Other names: c.1157+11C>T (NM_020984.4, NM_020985.4, NM_020986.4 and 2 more transcripts); c.1265+11C>T (NM_001142933.2).
Identifiers: ClinVar variation 507792 (VCV000507792.5), dbSNP rs746929234, ClinGen allele CA5497527.